The following is an entry in ClinVar:

ClinVar aggregate classification (germline): Uncertain significance (1 of 4 stars; one submission).

Conditions:
DYRK1A-related intellectual disability syndrome (MRD7). Also called: Intellectual developmental disorder, autosomal dominant 7; DYRK1A Syndrome. Identifiers: Orphanet 464306, MedGen C5568143, MONDO:0013578, OMIM 614104.

Submission:

Labcorp Genetics (formerly Invitae), Labcorp
Classification: Uncertain significance for DYRK1A-related intellectual disability syndrome. Last evaluated: 2024-12-19. Review status: criteria provided, single submitter. Criteria: Invitae Variant Classification Sherloc (09022015). Collection method: clinical testing. Allele origin: germline.
Comment: This sequence change replaces arginine, which is basic and polar, with leucine, which is neutral and non-polar, at codon 627 of the DYRK1A protein (p.Arg627Leu). This variant is not present in population databases (gnomAD no frequency). This variant has not been reported in the literature in individuals affected with DYRK1A-related conditions. ClinVar contains an entry for this variant (Variation ID: 1429109). Invitae Evidence Modeling of protein sequence and biophysical properties (such as structural, functional, and spatial information, amino acid conservation, physicochemical variation, residue mobility, and thermodynamic stability) indicates that this missense variant is not expected to disrupt DYRK1A protein function with a negative predictive value of 95%. In summary, the available evidence is currently insufficient to determine the role of this variant in disease. Therefore, it has been classified as a Variant of Uncertain Significance.

NM_001347721.2(DYRK1A):c.1853G>T (p.Arg618Leu)

Gene: DYRK1A (dual specificity tyrosine phosphorylation regulated kinase 1A; plus strand). Cytogenetic location: 21q22.13.
Variant type: single nucleotide variant.
Coding change: c.1853G>T on transcript NM_001347721.2 (MANE Select); coding-DNA position 1853, G replaced by T.
Protein change: p.Arg618Leu; replaces arginine 618 with leucine.
Molecular consequence: missense variant. On other transcripts: 3 prime UTR variant (2).
Genome position (GRCh38, 1-based): chr21:37,512,119, G>T. VCF-style: chr21-37512119-G-T. GRCh37 (hg19) VCF-style: chr21-38884422-G-T.
Other names: c.1853G>T, p.Arg618Leu (NM_001347722.2, NM_130436.2); c.1766G>T, p.Arg589Leu (NM_001347723.2); c.1880G>T, p.Arg627Leu (NM_001396.5); c.*256G>T (NM_101395.2); c.*165G>T (NM_130438.2); short protein forms R589L, R618L, R627L.
Identifiers: ClinVar variation 1429109 (VCV001429109.8), dbSNP rs761460441, ClinGen allele CA409939737.